The following is an entry in ClinVar:

ClinVar aggregate classification (germline): Uncertain significance (1 of 4 stars; one submission).

Conditions:
Hereditary breast ovarian cancer syndrome. Also called: Breast and ovarian cancer; BRCA1- and BRCA2-Associated Hereditary Breast and Ovarian Cancer; Hereditary breast and ovarian cancer; Hereditary breast and ovarian cancer syndrome (HBOC); Hereditary breast and/or ovarian cancer syndrome; Hereditary breast and ovarian cancer syndrome. Identifiers: Orphanet 145, MedGen C0677776, MeSH D061325, MONDO:0003582. Disease mechanism: loss of function.

Submission:

Labcorp Genetics (formerly Invitae), Labcorp
Classification: Uncertain significance for Hereditary breast and ovarian cancer syndrome. Last evaluated: 2018-10-14. Review status: criteria provided, single submitter. Criteria: Invitae Variant Classification Sherloc (09022015). Collection method: clinical testing. Allele origin: germline.
Comment: This variant occurs in a non-coding region of the BRCA1 gene. It does not change the encoded amino acid sequence of the BRCA1 protein. This variant has been observed in an individual withÂ¬â€ high-risk of breast cancerÂ¬â€ (PMID:Â¬â€ 23879077). It is also know as BRCA1 exon 1a duplicationÂ¬â€ in the literature. Experimental studies and prediction algorithms are not available for this variant, and the functional significance of this non-coding change is currently unknown. In summary, the available evidence is currently insufficient to determine the role of this variant in disease. Therefore, it has been classified as a Variant of Uncertain Significance.

NC_000017.10:g.(?_41277288)_(41277500_?)dup

Genes: BRCA1 (BRCA1 DNA repair associated; minus strand), LOC111589215 (BRCA1 promoter region; plus strand). Cytogenetic location: 17q21.31.
Variant type: Duplication.
Identifiers: ClinVar variation 647957 (VCV000647957.2).